The following is an entry in ClinVar:

ClinVar aggregate classification (germline): Likely benign (1 of 4 stars; one submission).

Allele frequency attached by ClinVar (database versions not stated): gnomAD 0.00002; ExAC 0.00003.

Submission:

CeGaT Center for Human Genetics Tuebingen
Classification: Likely benign. Last evaluated: 2025-04-01. Review status: criteria provided, single submitter. Criteria: CeGaT Center For Human Genetics Tuebingen Variant Classification Criteria Version 2. Collection method: clinical testing. Allele origin: germline. Affected: yes. Observed: 2 variant alleles.
Comment: POLR2A: BP4, BP7

NM_000937.5(POLR2A):c.3114G>A (p.Thr1038=)

Gene: POLR2A (RNA polymerase II subunit A; plus strand). Cytogenetic location: 17p13.1.
Variant type: single nucleotide variant.
Coding change: c.3114G>A on transcript NM_000937.5 (MANE Select); coding-DNA position 3114, G replaced by A.
Protein change: p.Thr1038=; no amino-acid change (threonine 1038 retained).
Molecular consequence: synonymous variant.
Genome position (GRCh38, 1-based): chr17:7,503,665, G>A. VCF-style: chr17-7503665-G-A. GRCh37 (hg19) VCF-style: chr17-7406984-G-A.
Identifiers: ClinVar variation 2647351 (VCV002647351.24), dbSNP rs771846320, ClinGen allele CA8349900.
Genomic context (GRCh38, chr17:7,503,665, plus strand): 5'-GAAGCTGGTGATTGTGAATGGGGATGACCCACTAAGTCGACAGGCCCAGGAAAATGCCAC[G>A]CTGCTCTTCAACATCCACCTGCGGTCCACGTTGTGTTCCCGCCGCATGGCAGAGGAGTTT-3'
Protein context (NP_000928.1, residues 1028-1048): PLSRQAQENA[Thr1038=]LLFNIHLRST